The following is an entry in ClinVar:

NM_006904.7(PRKDC):c.11751C>G (p.Ile3917Met)

Gene: PRKDC (protein kinase, DNA-activated, catalytic subunit; minus strand). Cytogenetic location: 8q11.21.
Variant type: single nucleotide variant.
Coding change: c.11751C>G on transcript NM_006904.7 (MANE Select); coding-DNA position 11751, C replaced by G.
Protein change: p.Ile3917Met; replaces isoleucine 3917 with methionine.
Molecular consequence: missense variant.
Genome position (GRCh38, 1-based): chr8:47,778,561, G>C on the plus strand (C>G on the coding strand, the complement: PRKDC is on the minus strand). VCF-style: chr8-47778561-G-C. GRCh37 (hg19) VCF-style: chr8-48691122-G-C.
Other names: c.11658C>G, p.Ile3886Met (NM_001081640.2); short protein forms I3917M, I3886M.
Identifiers: ClinVar variation 1740444 (VCV001740444.2), dbSNP rs1272030630, ClinGen allele CA371128646.

ClinVar aggregate classification (germline): Uncertain significance (1 of 4 stars; one submission).

Submission:

Ambry Genetics
Classification: Uncertain significance. Last evaluated: 2021-06-18. Review status: criteria provided, single submitter. Criteria: Ambry Variant Classification Scheme 2023. Collection method: clinical testing. Allele origin: germline.
Comment: The p.I3917M variant (also known as c.11751C>G), located in coding exon 83 of the PRKDC gene, results from a C to G substitution at nucleotide position 11751. The isoleucine at codon 3917 is replaced by methionine, an amino acid with highly similar properties. This amino acid position is conserved. In addition, the in silico prediction for this alteration is inconclusive. Since supporting evidence is limited at this time, the clinical significance of this alteration remains unclear.